The following is an entry in ClinVar:

ClinVar aggregate classification (germline): Likely pathogenic (1 of 4 stars; one submission).

Conditions:
Autosomal recessive polycystic kidney disease (ARPKD). Also called: AR polycystic kidney disease. Identifiers: Orphanet 731, Orphanet 8378, MedGen C0085548, MeSH D017044, MONDO:0009889.

Submission:

Natera, Inc.
Classification: Likely pathogenic for Autosomal recessive polycystic kidney disease. Last evaluated: 2024-04-04. Review status: criteria provided, single submitter. Criteria: Natera Variant Classification Schema (03/2026). Collection method: clinical testing. Allele origin: germline.
Comment: The c.3742delT variant in PKHD1 is a frameshift variant predicted to shift the reading frame beginning at codon 1248 and leads to a stop codon 55 codons downstream. This variant is expected to result in nonsense mediated decay, truncation, or a dysfunctional protein product. This variant is rare in the general population with a frequency below the threshold expected for the associated phenotype(s). Given the available evidence, this variant is classified as Likely Pathogenic.

NM_138694.4(PKHD1):c.3742del (p.Trp1248fs)

Gene: PKHD1 (PKHD1 ciliary IPT domain containing fibrocystin/polyductin; minus strand). Cytogenetic location: 6p12.2.
Variant type: Deletion.
Coding change: c.3742del on transcript NM_138694.4 (MANE Select); coding-DNA position 3742, one base deleted (T; older notation c.3742delT).
Protein change: p.Trp1248fs; shifts the reading frame from tryptophan 1248.
Molecular consequence: frameshift variant.
Genome position (GRCh38, 1-based): chr6:52,026,068, A deleted on the plus strand (T on the coding strand, the reverse complement: PKHD1 is on the minus strand). VCF-style (leftmost placement, unchanged base first): chr6-52026067-CA-C. GRCh37 (hg19) VCF-style: chr6-51890865-CA-C.
Other names: c.3742del, p.Trp1248fs (NM_170724.3); short protein forms W1248fs.
Identifiers: ClinVar variation 4816643 (VCV004816643.1).